The following is an entry in ClinVar:

NM_000444.6(PHEX):c.2147+1197A>G

Genes: PHEX (phosphate regulating endopeptidase X-linked; plus strand), PTCHD1-AS (PTCHD1 and PHEX antisense RNA; minus strand). Cytogenetic location: Xp22.11.
Variant type: single nucleotide variant.
Coding change: c.2147+1197A>G on transcript NM_000444.6 (MANE Select); 1197 bases into the intron after coding-DNA position 2147, A replaced by G.
Molecular consequence: intron variant.
Genome position (GRCh38, 1-based): chrX:22,246,606, A>G. VCF-style: chrX-22246606-A-G. GRCh37 (hg19) VCF-style: chrX-22264723-A-G.
Other names: c.2071-1245A>G (NM_001282754.2).
Identifiers: ClinVar variation 3777032 (VCV003777032.1).

ClinVar aggregate classification (germline): Likely pathogenic (1 of 4 stars; one submission).

Conditions:
Familial X-linked hypophosphatemic vitamin D refractory rickets (XLHRD). Also called: Hypophosphatemic Rickets, X-Linked Dominant; Hypophosphatemia, vitamin D-resistant rickets; Vitamin D-resistant rickets, X-linked; X-Linked Hypophosphatemia; HYPOPHOSPHATEMIC VITAMIN D-RESISTANT RICKETS. Identifiers: Orphanet 89936, MedGen C0733682, MONDO:0010619, OMIM 307800.

Submission:

Clinical Biomedical Laboratory, Shriners Hospital For Children - Canada
Classification: Likely pathogenic for Familial X-linked hypophosphatemic vitamin D refractory rickets. Last evaluated: 2025-03-31. Review status: criteria provided, single submitter. Criteria: ACMG Guidelines, 2015. Collection method: clinical testing. Allele origin: de novo. Inheritance: X-linked dominant inheritance. Affected: yes. Observed: 1 heterozygote.
Comment: The variant was observed in unrelated families, in individuals with the typical features of X-linked hypophosphatemic rickets (PMID 37454963, 39512182). This A-to-G transition changes a wild type AT doublet to a GT doublet in intron 21 of PHEX. GT corresponds to a consensus splice donor sequence. The PHEX c.2147+1197A>G variant is not found in the Genome Aggregation Database (gnomAD v2.1.1) despite adequate coverage at this locus. The SpliceAI prediction algorithm predicts that the c.2147+1197A>G variant leads to a splice donor gain at that locus (delta score of 0.26). SpliceAI also predicts that the variant leads to a splice acceptor gain using an upstream intronic AG sequence. Use of these predicted splice acceptor and donor sites leads to a pseudoexon that is 84 base pairs in length. These predictions were confirmed experimentally by determining the proband’s PHEX mRNA sequence (PMID 39512182). It was observed that the proband’s PHEX mRNA includes the predicted 84 base pair pseudoexon that is inserted between the sequences transcribed from exon 21 and exon 22. The pseudoexon contains an in-frame termination codon that is expected to lead to a truncated PHEX protein. Truncating variants in PHEX, including those located in PHEX exon 22, are an established cause of X-linked hypophosphatemic rickets (PMID 34806794). The PHEX c.2147+1197A>G variant was therefore classified as likely pathogenic.

Literature cited by the submitters: PubMed 37454963; PubMed 39512182; PubMed 34806794.